The following is an entry in ClinVar:

ClinVar aggregate classification (germline): Benign. Review status: criteria provided, multiple submitters, no conflicts (2 of 4 stars). 2 submissions from 2 submitters: Benign (2). Last evaluated 2018-01-12.

Conditions:
Glucocorticoid deficiency 1 (GCCD1). Also called: FAMILIAL GLUCOCORTICOID DEFICIENCY 1; Adrenal unresponsiveness to acth; Glucocorticoid deficiency, due to ACTH unresponsiveness. Identifiers: Orphanet 361, MedGen C4049650, MONDO:0024536, OMIM 202200.

Allele frequency attached by ClinVar (database versions not stated): gnomAD exomes 0.32616; 1000 Genomes Project 0.34105; 1000 Genomes Project 30x 0.34135; gnomAD 0.37061 and 0.37506; TOPMed 0.37395.

Submissions (2):

Illumina Laboratory Services, Illumina
Classification: Benign for Glucocorticoid deficiency 1. Last evaluated: 2018-01-12. Review status: criteria provided, single submitter. Criteria: ICSL Variant Classification Criteria 13 December 2019. Collection method: clinical testing. Allele origin: germline.
Comment: This variant was observed in the ICSL laboratory as part of a predisposition screen in an ostensibly healthy population. It had not been previously curated by ICSL or reported in the Human Gene Mutation Database (HGMD: prior to June 1st, 2018), and was therefore a candidate for classification through an automated scoring system. Utilizing variant allele frequency, disease prevalence and penetrance estimates, and inheritance mode, an automated score was calculated to assess if this variant is too frequent to cause the disease. Based on the score and internal cut-off values, a variant classified as benign is not then subjected to further curation. The score for this variant resulted in a classification of benign for this disease.

Breakthrough Genomics
Classification: Benign. Review status: criteria provided, single submitter. Criteria: ACMG Guidelines, 2015. Collection method: not provided. Allele origin: germline. Inheritance: Autosomal recessive inheritance. Affected: yes.

NM_000529.2(MC2R):c.*615C>T

Gene: MC2R (melanocortin 2 receptor; minus strand). Cytogenetic location: 18p11.21.
Variant type: single nucleotide variant.
Coding change: c.*615C>T on transcript NM_000529.2 (MANE Select); 615 bases downstream of the stop codon, C replaced by T.
Molecular consequence: 3 prime UTR variant.
Genome position (GRCh38, 1-based): chr18:13,884,010, G>A on the plus strand (C>T on the coding strand, the complement: MC2R is on the minus strand). VCF-style: chr18-13884010-G-A. GRCh37 (hg19) VCF-style: chr18-13884009-G-A.
Other names: c.*615C>T (NM_001291911.1).
Identifiers: ClinVar variation 326175 (VCV000326175.6), dbSNP rs4464147, ClinGen allele CA10641115.